The following is an entry in ClinVar:

ClinVar aggregate classification (germline): Uncertain significance (1 of 4 stars; one submission).

Conditions:
Inborn genetic diseases. Identifiers: MedGen C0950123, MeSH D030342.

Submission:

Ambry Genetics
Classification: Uncertain significance for Inborn genetic diseases. Last evaluated: 2022-04-26. Review status: criteria provided, single submitter. Criteria: Ambry Variant Classification Scheme 2023. Collection method: clinical testing. Allele origin: germline.
Comment: The p.T1806A variant (also known as c.5416A>G), located in coding exon 37 of the LRRK2 gene, results from an A to G substitution at nucleotide position 5416. The threonine at codon 1806 is replaced by alanine, an amino acid with similar properties. This amino acid position is conserved. In addition, this alteration is predicted to be tolerated by in silico analysis. Since supporting evidence is limited at this time, the clinical significance of this alteration remains unclear.

NM_198578.4(LRRK2):c.5416A>G (p.Thr1806Ala)

Gene: LRRK2 (leucine rich repeat kinase 2; plus strand). Cytogenetic location: 12q12.
Variant type: single nucleotide variant.
Coding change: c.5416A>G on transcript NM_198578.4 (MANE Select); coding-DNA position 5416, A replaced by G.
Protein change: p.Thr1806Ala; replaces threonine 1806 with alanine.
Molecular consequence: missense variant.
Genome position (GRCh38, 1-based): chr12:40,322,417, A>G. VCF-style: chr12-40322417-A-G. GRCh37 (hg19) VCF-style: chr12-40716219-A-G.
Other names: short protein forms T1806A.
Identifiers: ClinVar variation 1747391 (VCV001747391.2), dbSNP rs2499885389, ClinGen allele CA384420715.